The following is an entry in ClinVar:

ClinVar aggregate classification (germline): Uncertain significance (1 of 4 stars; one submission).

Conditions:
Spermatogenic failure 18. Identifiers: MedGen C4539783, MONDO:0054615, OMIM 617576.
Ciliary dyskinesia, primary, 37 (CILD37). Also called: CILIARY DYSKINESIA, PRIMARY, 37, WITH OR WITHOUT SITUS INVERSUS. Identifiers: MedGen C4539798, MONDO:0033204, OMIM 617577.

gnomAD v4.1: 3 of 1,613,944 alleles (0.00019%); highest among the groups gnomAD compares: East Asian, 0.0022%; no homozygotes.

Submission:

Labcorp Genetics (formerly Invitae), Labcorp
Classification: Uncertain significance for Ciliary dyskinesia, primary, 37; Spermatogenic failure 18. Last evaluated: 2024-08-13. Review status: criteria provided, single submitter. Criteria: Invitae Variant Classification Sherloc (09022015). Collection method: clinical testing. Allele origin: germline.
Comment: This sequence change replaces glycine, which is neutral and non-polar, with aspartic acid, which is acidic and polar, at codon 1820 of the DNAH1 protein (p.Gly1820Asp). This variant is not present in population databases (gnomAD no frequency). This variant has not been reported in the literature in individuals affected with DNAH1-related conditions. An algorithm developed to predict the effect of missense changes on protein structure and function (PolyPhen-2) suggests that this variant is likely to be disruptive. In summary, the available evidence is currently insufficient to determine the role of this variant in disease. Therefore, it has been classified as a Variant of Uncertain Significance.

NM_015512.5(DNAH1):c.5459G>A (p.Gly1820Asp)

Gene: DNAH1 (dynein axonemal heavy chain 1; plus strand). Cytogenetic location: 3p21.1.
Variant type: single nucleotide variant.
Coding change: c.5459G>A on transcript NM_015512.5 (MANE Select); coding-DNA position 5459, G replaced by A.
Protein change: p.Gly1820Asp; replaces glycine 1820 with aspartic acid.
Molecular consequence: missense variant.
Genome position (GRCh38, 1-based): chr3:52,364,960, G>A. VCF-style: chr3-52364960-G-A. GRCh37 (hg19) VCF-style: chr3-52398976-G-A.
Other names: short protein forms G1820D.
Identifiers: ClinVar variation 3750872 (VCV003750872.2).